The following is an entry in ClinVar:

ClinVar aggregate classification (germline): Pathogenic. Review status: criteria provided, multiple submitters, no conflicts (2 of 4 stars). 8 submissions from 8 submitters: Pathogenic (8). Last evaluated 2025-11-16.

Conditions:
DNA ligase IV deficiency. Identifiers: Orphanet 99812, MedGen C1847827, MONDO:0011686, OMIM 606593.
Multiple myeloma (MM). Also called: Plasma cell myeloma; Multiple myeloma, somatic. Identifiers: Orphanet 29073, Orphanet 85443, MedGen C0026764, MeSH D009101, MONDO:0009693, OMIM 254500, HP:0006775.
LIG4-related disorder. Also called: LIG4-related disorders; LIG4-related condition. Identifiers: MedGen CN239380.
Inborn genetic diseases. Identifiers: MedGen C0950123, MeSH D030342.

Submissions (8):

Labcorp Genetics (formerly Invitae), Labcorp
Classification: Pathogenic for DNA ligase IV deficiency. Last evaluated: 2025-11-16. Review status: criteria provided, single submitter. Criteria: Invitae Variant Classification Sherloc (09022015). Collection method: clinical testing. Allele origin: germline.
Comment: This sequence change creates a premature translational stop signal (p.Ser205Leufs*29) in the LIG4 gene. While this is not anticipated to result in nonsense mediated decay, it is expected to disrupt the last 707 amino acid(s) of the LIG4 protein. This variant is present in population databases (rs780879476, gnomAD 0.02%). This premature translational stop signal has been observed in individuals with LIG4-deficiency syndrome and Dubowitz syndrome (PMID: 23372718, 24027040, 24892279). It has also been observed to segregate with disease in related individuals. ClinVar contains an entry for this variant (Variation ID: 521262). This variant disrupts a region of the LIG4 protein in which other variant(s) (p.Arg814*) have been determined to be pathogenic (PMID: 11779494, 16088910, 27063650). This suggests that this is a clinically significant region of the protein, and that variants that disrupt it are likely to be disease-causing. For these reasons, this variant has been classified as Pathogenic.

Fulgent Genetics
Classification: Pathogenic for Multiple myeloma; DNA ligase IV deficiency. Last evaluated: 2024-03-08. Review status: criteria provided, single submitter. Criteria: ACMG Guidelines, 2015. Collection method: clinical testing. Allele origin: germline.

Women's Health and Genetics/Laboratory Corporation of America, LabCorp
Classification: Pathogenic for DNA ligase IV deficiency. Last evaluated: 2023-07-28. Review status: criteria provided, single submitter. Criteria: LabCorp Variant Classification Summary - May 2015. Collection method: clinical testing. Allele origin: germline.
Comment: Variant summary: LIG4 c.613delT (p.Ser205LeufsX29) results in a premature termination codon, predicted to cause a truncation of the encoded protein, which is a commonly known mechanisms for disease. Variants downstream of this position have been classified as pathogenic by our laboratory. The variant allele was found at a frequency of 5.6e-05 in 250070 control chromosomes (gnomAD). c.613delT has been reported in the literature in individuals affected with LIG4 Syndrome (Murray_2014, Yue_2013, Stewart_2014), and they were reported as compound heterozygous with a (likely) pathogenic variant. These data indicate that the variant is likely to be associated with disease. The following publications have been ascertained in the context of this evaluation (PMID: 24123394, 23372718, 24892279). Four submitters have cited clinical-significance assessments for this variant to ClinVar after 2014, and classified the variant as pathogenic. Based on the evidence outlined above, the variant was classified as pathogenic.

Blueprint Genetics
Classification: Pathogenic for LIG4-related disorders. Last evaluated: 2023-05-16. Review status: criteria provided, single submitter. Criteria: ACMG Guidelines, 2015. Collection method: clinical testing. Allele origin: germline. Affected: yes. Observed: 4 variant alleles.

Department of Pathology and Laboratory Medicine, Sinai Health System
Classification: Pathogenic for DNA ligase IV deficiency. Last evaluated: 2022-04-12. Review status: criteria provided, single submitter. Criteria: ACMG Guidelines, 2015. Collection method: research. Allele origin: germline.

GeneDx
Classification: Pathogenic. Last evaluated: 2021-07-26. Review status: criteria provided, single submitter. Criteria: GeneDx Variant Classification Process June 2021. Collection method: clinical testing. Allele origin: germline. Affected: yes.
Comment: Published functional studies suggest a damaging effect on protein localization, as the protein was expressed in the cytoplasm rather than in the nucleus (IJspeert et al., 2013); Frameshift variant in the C-terminus predicted to result in protein truncation, as the last 707 amino acids are lost and replaced with 28 incorrect amino acids, and other loss-of-function variants have been reported downstream in the Human Gene Mutation Database (Stenson et al., 2014); This variant is associated with the following publications: (PMID: 24027040, 31604460, 23372718, 30262796, 24892279)

Molecular Genetics, Royal Melbourne Hospital
Classification: Pathogenic for DNA ligase IV deficiency. Last evaluated: 2020-11-20. Review status: criteria provided, single submitter. Criteria: ACMG Guidelines, 2015. Collection method: clinical testing. Allele origin: germline.
Comment: This sequence change is a deletion of 1 bp in exon 3 (of 3) of LIG4 that is predicted to create a premature termination codon at position 233 (p.(Ser205Leufs*29)). While this is not anticipated to result in nonsense mediated decay, it is expected to remove greater than 70% of the protein, including regions critical for function (PVS1_Strong; PMID: 24027040).The variant is present in a large population cohort at a frequency of 0.006%, which is consistent with a recessive disorder (PM2; rs780879476, 16/281,468 alleles, 0 homozygotes in gnomAD v2.1). The variant has been identified compound heterozygous with a second pathogenic allele in at least three individuals with LIG4 syndrome, and segregates with the condition in at least two families (PM3_Strong, PP1_Moderate; PMID: 23372718, 24027040, 24892279, 31604460). Based on the classification scheme RMH ACMG Guidelines v1.2.1, this variant is classified as PATHOGENIC. Following criteria are met: PVS1_Strong, PM3_Strong, PM2, PP1_Moderate.

Ambry Genetics
Classification: Pathogenic for Inborn genetic diseases. Last evaluated: 2016-08-24. Review status: criteria provided, single submitter. Criteria: Ambry exome assertion method (8-5-2015). Collection method: clinical testing. Allele origin: germline. Affected: yes. Observed: 1 variant allele.

Literature cited by the submitters: PubMed 23372718 (cited by 3 submitters); PubMed 24027040 (cited by Labcorp Genetics (formerly Invitae), Labcorp and Molecular Genetics, Royal Melbourne Hospital); PubMed 24892279 (cited by 3 submitters); PubMed 11779494 (cited by Labcorp Genetics (formerly Invitae), Labcorp); PubMed 16088910 (cited by Labcorp Genetics (formerly Invitae), Labcorp); PubMed 27063650 (cited by Labcorp Genetics (formerly Invitae), Labcorp); PubMed 24123394 (cited by Women's Health and Genetics/Laboratory Corporation of America, LabCorp); PubMed 31604460 (cited by Molecular Genetics, Royal Melbourne Hospital).

NM_206937.2(LIG4):c.613del (p.Ser205fs)

Gene: LIG4 (DNA ligase 4; minus strand). Cytogenetic location: 13q33.3.
Variant type: Deletion.
Coding change: c.613del on transcript NM_206937.2 (MANE Select); coding-DNA position 613, one base deleted (T; older notation c.613delT).
Protein change: p.Ser205fs; shifts the reading frame from serine 205.
Molecular consequence: frameshift variant.
Genome position (GRCh38, 1-based): chr13:108,210,656, A deleted on the plus strand (T on the coding strand, the reverse complement: LIG4 is on the minus strand); the first of 4 consecutive A bases (chr13:108,210,656-108,210,659); deleting any one gives the same sequence. VCF-style (leftmost placement, unchanged base first): chr13-108210655-GA-G. GRCh37 (hg19) VCF-style: chr13-108863003-GA-G.
Other names: c.613delT (NM_002312.3, NM_206937.2); c.613del, p.Ser205fs (NM_001098268.2, NM_001352598.2, NM_001352599.2 and 6 more transcripts); c.412del, p.Ser138fs (NM_001330595.2); c.649del, p.Ser217fs (NM_001352604.2); short protein forms S205fs, S217fs, S138fs.
Identifiers: ClinVar variation 521262 (VCV000521262.21), dbSNP rs780879476, ClinGen allele CA7043817.